The following is an entry in ClinVar:

NC_000020.10:g.(?_25056897)_(25426627_?)dup

Genes: ABHD12 (abhydrolase domain containing 12, lysophospholipase; minus strand), ENTPD6 (ectonucleoside triphosphate diphosphohydrolase 6; plus strand), GINS1 (GINS complex subunit 1; plus strand), PYGB (glycogen phosphorylase B; plus strand), VSX1 (visual system homeobox 1; minus strand). Cytogenetic location: 20p11.21.
Variant type: Duplication.
Identifiers: ClinVar variation 3248344 (VCV003248344.1).

ClinVar aggregate classification (germline): Uncertain significance (1 of 4 stars; one submission).

Submission:

Labcorp Genetics (formerly Invitae), Labcorp
Classification: Uncertain significance. Last evaluated: 2023-11-19. Review status: criteria provided, single submitter. Criteria: Invitae Variant Classification Sherloc (09022015). Collection method: clinical testing. Allele origin: unknown.
Comment: A copy number gain of the genomic region encompassing the full coding sequence of the GINS1 gene has been identified. The boundaries of this event are unknown as they extend beyond the assayed region for this gene and therefore may encompass additional genes. As the precise location of this event is unknown, it may be in tandem or it may be located elsewhere in the genome. This variant has not been reported in the literature in individuals affected with GINS1-related conditions. Experimental studies and prediction algorithms are not available or were not evaluated, and the functional significance of this variant is currently unknown. In summary, the available evidence is currently insufficient to determine the role of this variant in disease. Therefore, it has been classified as a Variant of Uncertain Significance.